The following is an entry in ClinVar:

ClinVar aggregate classification (germline): Uncertain significance (1 of 4 stars; one submission).

Conditions:
Mitochondrial DNA depletion syndrome 13. Also called: FBXL4-Related Encephalomyopathic Mitochondrial DNA Depletion Syndrome; Mitochondrial DNA depletion syndrome 13 (encephalomyopathic type). Identifiers: Orphanet 369897, MedGen C3809592, MONDO:0014198, OMIM 615471.

Allele frequency attached by ClinVar (database versions not stated): gnomAD exomes below 0.00001 and 0.00001; ExAC 0.00001.
gnomAD v4.1: 2 of 1,614,144 alleles (0.00012%); highest among the groups gnomAD compares: South Asian, 0.0011%; no homozygotes.

Submission:

Wong Mito Lab, Molecular and Human Genetics, Baylor College of Medicine
Classification: Uncertain significance for Mitochondrial DNA depletion syndrome 13. Last evaluated: 2017-08-10. Review status: criteria provided, single submitter. Criteria: ACMG Guidelines, 2015. Collection method: reference population. Allele origin: germline.
Comment: The NM_012160.4:c.402G>T (NP_036292.2:p.Gln134His) [GRCH38: NC_000006.12:g.98926587C>A] variant in FBXL4 gene is interpretated to be a Uncertain Significance - Insufficient Evidence based on ACMG guidelines (PMID: 25741868). This variant meets one or more of the following evidence codes reported in the ACMG-guideline. PM2:This variant is absent in key population databases. Based on this evidence code ClinGen Pathogenicity Calculator (PMID:28081714) suggested that the variant is Uncertain Significance - Insufficient Evidence.

NM_001278716.2(FBXL4):c.402G>T (p.Gln134His)

Gene: FBXL4 (F-box and leucine rich repeat protein 4; minus strand). Cytogenetic location: 6q16.2.
Variant type: single nucleotide variant.
Coding change: c.402G>T on transcript NM_001278716.2 (MANE Select); coding-DNA position 402, G replaced by T.
Protein change: p.Gln134His; replaces glutamine 134 with histidine.
Molecular consequence: missense variant. On other transcripts: non-coding transcript variant (2).
Genome position (GRCh38, 1-based): chr6:98,926,587, C>A on the plus strand (G>T on the coding strand, the complement: FBXL4 is on the minus strand). VCF-style: chr6-98926587-C-A. GRCh37 (hg19) VCF-style: chr6-99374463-C-A.
Other names: c.402G>T, p.Gln134His (NM_012160.5); short protein forms Q134H.
Identifiers: ClinVar variation 437571 (VCV000437571.1), dbSNP rs745348926, ClinGen allele CA3933696.